The following is an entry in ClinVar:

NM_005506.4(SCARB2):c.1030C>T (p.Gln344Ter)

Gene: SCARB2 (scavenger receptor class B member 2; minus strand). Cytogenetic location: 4q21.1.
Variant type: single nucleotide variant.
Coding change: c.1030C>T on transcript NM_005506.4 (MANE Select); coding-DNA position 1030, C replaced by T.
Protein change: p.Gln344Ter; replaces glutamine 344 with a stop codon.
Molecular consequence: nonsense.
Genome position (GRCh38, 1-based): chr4:76,169,950, G>A on the plus strand (C>T on the coding strand, the complement: SCARB2 is on the minus strand). VCF-style: chr4-76169950-G-A. GRCh37 (hg19) VCF-style: chr4-77091103-G-A.
Other names: c.601C>T, p.Gln201Ter (NM_001204255.2); short protein forms Q201*, Q344*.
Identifiers: ClinVar variation 2846431 (VCV002846431.3), dbSNP rs2476228297, ClinGen allele CA357314768.

ClinVar aggregate classification (germline): Pathogenic (1 of 4 stars; one submission).

Conditions:
Progressive myoclonic epilepsy. Also called: Familial progressive myoclonic epilepsy; Myoclonic Epilepsies, Progressive; Progressive myoclonus epilepsy; Myoclonus epilepsy. Identifiers: Orphanet 308, Orphanet 98261, MedGen C0751778, MONDO:0020074.

Submission:

Labcorp Genetics (formerly Invitae), Labcorp
Classification: Pathogenic for Progressive myoclonic epilepsy. Last evaluated: 2025-02-17. Review status: criteria provided, single submitter. Criteria: Invitae Variant Classification Sherloc (09022015). Collection method: clinical testing. Allele origin: germline.
Comment: This sequence change creates a premature translational stop signal (p.Gln344*) in the SCARB2 gene. It is expected to result in an absent or disrupted protein product. Loss-of-function variants in SCARB2 are known to be pathogenic (PMID: 19847901). This variant is not present in population databases (gnomAD no frequency). This variant has not been reported in the literature in individuals affected with SCARB2-related conditions. ClinVar contains an entry for this variant (Variation ID: 2846431). For these reasons, this variant has been classified as Pathogenic.

Literature cited by the submitters: PubMed 19847901.